The following is an entry in ClinVar:

ClinVar aggregate classification (germline): Uncertain significance. Review status: criteria provided, multiple submitters, no conflicts (2 of 4 stars). 2 submissions from 2 submitters: Uncertain significance (2). Last evaluated 2024-11-22.

Conditions:
Cardiovascular phenotype. Identifiers: MedGen CN230736.
Hereditary cancer-predisposing syndrome. Also called: Neoplastic Syndromes, Hereditary; Hereditary neoplastic syndrome; Hereditary Cancer Syndrome; Tumor predisposition. Identifiers: Orphanet 140162, MedGen C0027672, MeSH D009386, MONDO:0015356.
Neurofibromatosis, type 1 (NF1). Also called: VON RECKLINGHAUSEN DISEASE; NEUROFIBROMATOSIS, TYPE I, SOMATIC; Peripheral type neurofibromatosis; Neurofibromatosis, type I. Identifiers: Orphanet 636, MedGen C0027831, MONDO:0018975, OMIM 162200. Disease mechanism: loss of function.

Allele frequency attached by ClinVar (database versions not stated): gnomAD exomes below 0.00001.
gnomAD v4.1: 1 of 1,612,312 alleles (0.000062%); highest among the groups gnomAD compares: South Asian, 0.0011%; no homozygotes.

Submissions (2):

Ambry Genetics
Classification: Uncertain significance for Cardiovascular phenotype; Hereditary cancer-predisposing syndrome. Last evaluated: 2024-11-22. Review status: criteria provided, single submitter. Criteria: Ambry Variant Classification Scheme 2023. Collection method: clinical testing. Allele origin: germline.
Comment: The p.K609R variant (also known as c.1826A>G), located in coding exon 16 of the NF1 gene, results from an A to G substitution at nucleotide position 1826. The lysine at codon 609 is replaced by arginine, an amino acid with highly similar properties. This amino acid position is conserved. In addition, the in silico prediction for this alteration is inconclusive. Based on the available evidence, the clinical significance of this variant remains unclear.

Labcorp Genetics (formerly Invitae), Labcorp
Classification: Uncertain significance for Neurofibromatosis, type 1. Last evaluated: 2018-09-06. Review status: criteria provided, single submitter. Criteria: Invitae Variant Classification Sherloc (09022015). Collection method: clinical testing. Allele origin: germline.
Comment: This sequence change replaces lysine with arginine at codon 609 of the NF1 protein (p.Lys609Arg). The lysine residue is moderately conserved and there is a small physicochemical difference between lysine and arginine. This variant is not present in population databases (ExAC no frequency). This variant has not been reported in the literature in individuals with NF1-related disease. Algorithms developed to predict the effect of missense changes on protein structure and function are either unavailable or do not agree on the potential impact of this missense change (SIFT: "Tolerated"; PolyPhen-2: "Probably Damaging"; Align-GVGD: "Class C0"). In summary, the available evidence is currently insufficient to determine the role of this variant in disease. Therefore, it has been classified as a Variant of Uncertain Significance.

NM_001042492.3(NF1):c.1826A>G (p.Lys609Arg)

Gene: NF1 (neurofibromin 1; plus strand). Cytogenetic location: 17q11.2.
Variant type: single nucleotide variant.
Coding change: c.1826A>G on transcript NM_001042492.3 (MANE Select); coding-DNA position 1826, A replaced by G.
Protein change: p.Lys609Arg; replaces lysine 609 with arginine.
Molecular consequence: missense variant.
Genome position (GRCh38, 1-based): chr17:31,223,548, A>G. VCF-style: chr17-31223548-A-G. GRCh37 (hg19) VCF-style: chr17-29550566-A-G.
Other names: c.1826A>G, p.Lys609Arg (NM_000267.4); short protein forms K609R.
Identifiers: ClinVar variation 659559 (VCV000659559.6), dbSNP rs1597708810, ClinGen allele CA399004602.